The following is an entry in ClinVar:

NM_000883.4(IMPDH1):c.1796A>C (p.Tyr599Ser)

Gene: IMPDH1 (inosine monophosphate dehydrogenase 1; minus strand). Cytogenetic location: 7q32.1.
Variant type: single nucleotide variant.
Coding change: c.1796A>C on transcript NM_000883.4 (MANE Select); coding-DNA position 1796, A replaced by C.
Protein change: p.Tyr599Ser; replaces tyrosine 599 with serine.
Molecular consequence: missense variant.
Genome position (GRCh38, 1-based): chr7:128,393,011, T>G on the plus strand (A>C on the coding strand, the complement: IMPDH1 is on the minus strand). VCF-style: chr7-128393011-T-G. GRCh37 (hg19) VCF-style: chr7-128033065-T-G.
Other names: c.1766A>C, p.Tyr589Ser (NM_001102605.2); c.1541A>C, p.Tyr514Ser (NM_001142573.2); c.1526A>C, p.Tyr509Ser (NM_001142574.2); c.1466A>C, p.Tyr489Ser (NM_001142575.2); c.1697A>C, p.Tyr566Ser (NM_001142576.2); c.1589A>C, p.Tyr530Ser (NM_001304521.2); c.1688A>C, p.Tyr563Ser (NM_183243.3); short protein forms Y514S, Y530S, Y566S, Y589S, Y489S, Y509S, Y563S, Y599S.
Identifiers: ClinVar variation 1485948 (VCV001485948.8), dbSNP rs2116574105, ClinGen allele CA369160609.

ClinVar aggregate classification (germline): Uncertain significance (1 of 4 stars; one submission).

Submission:

Labcorp Genetics (formerly Invitae), Labcorp
Classification: Uncertain significance. Last evaluated: 2023-11-20. Review status: criteria provided, single submitter. Criteria: Invitae Variant Classification Sherloc (09022015). Collection method: clinical testing. Allele origin: germline.
Comment: This sequence change replaces tyrosine, which is neutral and polar, with serine, which is neutral and polar, at codon 599 of the IMPDH1 protein (p.Tyr599Ser). This variant is not present in population databases (gnomAD no frequency). This variant has not been reported in the literature in individuals affected with IMPDH1-related conditions. ClinVar contains an entry for this variant (Variation ID: 1485948). An algorithm developed to predict the effect of missense changes on protein structure and function (PolyPhen-2) suggests that this variant is likely to be disruptive. In summary, the available evidence is currently insufficient to determine the role of this variant in disease. Therefore, it has been classified as a Variant of Uncertain Significance.